The following is an entry in ClinVar:

NM_004963.4(GUCY2C):c.1807T>A (p.Tyr603Asn)

Gene: GUCY2C (guanylate cyclase 2C; minus strand). Cytogenetic location: 12p12.3.
Variant type: single nucleotide variant.
Coding change: c.1807T>A on transcript NM_004963.4 (MANE Select); coding-DNA position 1807, T replaced by A.
Protein change: p.Tyr603Asn; replaces tyrosine 603 with asparagine.
Molecular consequence: missense variant.
Genome position (GRCh38, 1-based): chr12:14,643,697, A>T on the plus strand (T>A on the coding strand, the complement: GUCY2C is on the minus strand). VCF-style: chr12-14643697-A-T. GRCh37 (hg19) VCF-style: chr12-14796631-A-T.
Other names: short protein forms Y603N.
Identifiers: ClinVar variation 4741668 (VCV004741668.1).

ClinVar aggregate classification (germline): Uncertain significance (1 of 4 stars; one submission).

Submission:

Labcorp Genetics (formerly Invitae), Labcorp
Classification: Uncertain significance. Last evaluated: 2025-02-06. Review status: criteria provided, single submitter. Criteria: Invitae Variant Classification Sherloc (09022015). Collection method: clinical testing. Allele origin: germline.
Comment: This sequence change replaces tyrosine, which is neutral and polar, with asparagine, which is neutral and polar, at codon 603 of the GUCY2C protein (p.Tyr603Asn). This variant is not present in population databases (gnomAD no frequency). This variant has not been reported in the literature in individuals affected with GUCY2C-related conditions. Invitae Evidence Modeling of protein sequence and biophysical properties (such as structural, functional, and spatial information, amino acid conservation, physicochemical variation, residue mobility, and thermodynamic stability) indicates that this missense variant is expected to disrupt GUCY2C protein function with a positive predictive value of 80%. In summary, the available evidence is currently insufficient to determine the role of this variant in disease. Therefore, it has been classified as a Variant of Uncertain Significance.